The following is an entry in ClinVar:

NM_006612.6(KIF1C):c.184-141T>A

Gene: KIF1C (kinesin family member 1C; plus strand). Cytogenetic location: 17p13.2.
Variant type: single nucleotide variant.
Coding change: c.184-141T>A on transcript NM_006612.6 (MANE Select); 141 bases into the intron before coding-DNA position 184, T replaced by A.
Molecular consequence: intron variant.
Genome position (GRCh38, 1-based): chr17:5,001,081, T>A. VCF-style: chr17-5001081-T-A. GRCh37 (hg19) VCF-style: chr17-4904376-T-A.
Identifiers: ClinVar variation 682849 (VCV000682849.2), dbSNP rs72838327, ClinGen allele CA14393695.

ClinVar aggregate classification (germline): Benign. Review status: criteria provided, multiple submitters, no conflicts (2 of 4 stars). 2 submissions from 2 submitters: Benign (2). Last evaluated 2018-06-14.

Allele frequency attached by ClinVar (database versions not stated): 1000 Genomes Project 30x 0.05621; 1000 Genomes Project 0.05931; TOPMed 0.06352; gnomAD 0.06570 and 0.06590.
gnomAD v4.1: 71,689 of 964,974 alleles (7.4%); highest among the groups gnomAD compares: Middle Eastern, 16%; 3,049 homozygotes.

Submissions (2):

GeneDx
Classification: Benign. Last evaluated: 2018-06-14. Review status: criteria provided, single submitter. Criteria: GeneDx Variant Classification (06012015). Collection method: clinical testing. Allele origin: germline. Affected: yes.
Comment: This variant is considered likely benign or benign based on one or more of the following criteria: it is a conservative change, it occurs at a poorly conserved position in the protein, it is predicted to be benign by multiple in silico algorithms, and/or has population frequency not consistent with disease.

Breakthrough Genomics
Classification: Benign. Review status: criteria provided, single submitter. Criteria: ACMG Guidelines, 2015. Collection method: not provided. Allele origin: germline. Inheritance: Autosomal recessive inheritance. Affected: yes.